The following is an entry in ClinVar:

ClinVar aggregate classification (germline): Conflicting classifications of pathogenicity. Review status: criteria provided, conflicting classifications (1 of 4 stars). 4 submissions from 4 submitters: Uncertain significance (3); Benign (1). Last evaluated 2025-09-16.

Conditions:
Hereditary cancer-predisposing syndrome. Also called: Tumor predisposition; Hereditary Cancer Syndrome; Hereditary neoplastic syndrome; Neoplastic Syndromes, Hereditary. Identifiers: Orphanet 140162, MedGen C0027672, MeSH D009386, MONDO:0015356.
Familial adenomatous polyposis 2. Also called: FAP type 2; MUTYH Polyposis; COLORECTAL ADENOMATOUS POLYPOSIS, AUTOSOMAL RECESSIVE; ADENOMAS, MULTIPLE COLORECTAL, AUTOSOMAL RECESSIVE; MUTYH-associated polyposis; MUTYH-related attenuated familial adenomatous polyposis. Identifiers: Orphanet 220460, Orphanet 247798, MedGen C3272841, MONDO:0012041, OMIM 608456.

Submissions (4):

Ambry Genetics
Classification: Benign for Hereditary cancer-predisposing syndrome. Last evaluated: 2025-09-16. Review status: criteria provided, single submitter. Criteria: Ambry Variant Classification Scheme 2023. Collection method: clinical testing. Allele origin: germline.

Color Diagnostics, LLC DBA Color Health
Classification: Uncertain significance for Hereditary cancer-predisposing syndrome. Last evaluated: 2025-03-17. Review status: criteria provided, single submitter. Criteria: ACMG Guidelines, 2015. Collection method: clinical testing. Allele origin: germline.
Comment: This missense variant replaces threonine with alanine at codon 256 of the MUTYH protein. Computational prediction suggests that this variant may not impact protein structure and function. To our knowledge, functional studies have not been reported for this variant. This variant has not been reported in individuals affected with MUTYH-related disorders in the literature. This variant has not been identified in the general population by the Genome Aggregation Database (gnomAD). The available evidence is insufficient to determine the role of this variant in disease conclusively. Therefore, this variant is classified as a Variant of Uncertain Significance.

Labcorp Genetics (formerly Invitae), Labcorp
Classification: Uncertain significance for Familial adenomatous polyposis 2. Last evaluated: 2024-04-02. Review status: criteria provided, single submitter. Criteria: Invitae Variant Classification Sherloc (09022015). Collection method: clinical testing. Allele origin: germline.
Comment: This sequence change replaces threonine, which is neutral and polar, with alanine, which is neutral and non-polar, at codon 256 of the MUTYH protein (p.Thr256Ala). This variant is not present in population databases (gnomAD no frequency). This variant has not been reported in the literature in individuals affected with MUTYH-related conditions. ClinVar contains an entry for this variant (Variation ID: 827184). Algorithms developed to predict the effect of missense changes on protein structure and function output the following: SIFT: "Not Available"; PolyPhen-2: "Benign"; Align-GVGD: "Not Available". The alanine amino acid residue is found in multiple mammalian species, which suggests that this missense change does not adversely affect protein function. In summary, the available evidence is currently insufficient to determine the role of this variant in disease. Therefore, it has been classified as a Variant of Uncertain Significance.

GeneDx
Classification: Uncertain significance. Last evaluated: 2020-04-07. Review status: criteria provided, single submitter. Criteria: GeneDx Variant Classification Process June 2021. Collection method: clinical testing. Allele origin: germline. Affected: yes.
Comment: Not observed in large population cohorts (Lek et al., 2016); In silico analysis supports that this missense variant does not alter protein structure/function; Has not been previously published as pathogenic or benign to our knowledge

NM_001048174.2(MUTYH):c.682A>G (p.Thr228Ala)

Gene: MUTYH (mutY DNA glycosylase; minus strand). Cytogenetic location: 1p34.1.
Variant type: single nucleotide variant.
Coding change: c.682A>G on transcript NM_001048174.2 (MANE Select); coding-DNA position 682, A replaced by G.
Protein change: p.Thr228Ala; replaces threonine 228 with alanine.
Molecular consequence: missense variant. On other transcripts: non-coding transcript variant (2).
Genome position (GRCh38, 1-based): chr1:45,332,413, T>C on the plus strand (A>G on the coding strand, the complement: MUTYH is on the minus strand). VCF-style: chr1-45332413-T-C. GRCh37 (hg19) VCF-style: chr1-45798085-T-C.
Other names: c.682A>G, p.Thr228Ala (NM_001048171.2, NM_001048173.2, NM_001293195.2); c.685A>G, p.Thr229Ala (NM_001048172.2); c.766A>G, p.Thr256Ala (NM_001128425.2); c.727A>G, p.Thr243Ala (NM_001293190.2); c.715A>G, p.Thr239Ala (NM_001293191.2); c.406A>G, p.Thr136Ala (NM_001293192.2, NM_001293196.2); c.337A>G, p.Thr113Ala (NM_001350650.2, NM_001350651.2); c.757A>G, p.Thr253Ala (NM_012222.3); short protein forms T229A, T256A, T113A, T228A, T136A, T253A, T239A, T243A.
Identifiers: ClinVar variation 827184 (VCV000827184.17), dbSNP rs1570406957, ClinGen allele CA340134789.